The following is an entry in ClinVar:

ClinVar aggregate classification (germline): Uncertain significance (1 of 4 stars; one submission).

Conditions:
Charcot-Marie-Tooth disease type 2. Also called: Charcot-Marie-Tooth type 2. Identifiers: Orphanet 64746, MedGen C0270914, MONDO:0018993.

Submission:

Labcorp Genetics (formerly Invitae), Labcorp
Classification: Uncertain significance for Charcot-Marie-Tooth disease type 2. Last evaluated: 2019-05-27. Review status: criteria provided, single submitter. Criteria: Invitae Variant Classification Sherloc (09022015). Collection method: clinical testing. Allele origin: germline.
Comment: This variant is not present in population databases (ExAC no frequency). This variant has not been reported in the literature in individuals with MED25-related conditions. Experimental studies and prediction algorithms are not available or were not evaluated for this variant, and the functional significance of the affected amino acid(s) is currently unknown. In summary, the available evidence is currently insufficient to determine the role of this variant in disease. Therefore, it has been classified as a Variant of Uncertain Significance. This sequence change results in a frameshift in the MED25 gene (p.Gln690Valfs*?). While this is not anticipated to result in nonsense mediated decay, it is expected to disrupt the last 58 amino acids of the MED25 protein and extend the protein.

NM_030973.4(MED25):c.2068_2069del (p.Gln690fs)

Gene: MED25 (mediator complex subunit 25; plus strand). Cytogenetic location: 19q13.33.
Variant type: Deletion.
Coding change: c.2068_2069del on transcript NM_030973.4 (MANE Select); coding-DNA positions 2068 to 2069, 2 bases deleted (CA; older notation c.2068_2069delCA).
Protein change: p.Gln690fs; shifts the reading frame from glutamine 690.
Molecular consequence: frameshift variant.
Genome position (GRCh38, 1-based): chr19:49,836,328-49,836,329, CA deleted. VCF-style (leftmost placement, unchanged base first): chr19-49836327-CCA-C. GRCh37 (hg19) VCF-style: chr19-50339584-CCA-C.
Other names: c.2068_2069del, p.Gln690fs (NM_001378355.1); short protein forms Q690fs.
Identifiers: ClinVar variation 950092 (VCV000950092.7), dbSNP rs2074097900, ClinGen allele CA1139666536.
Genomic context (GRCh38, chr19:49,836,327, plus strand): 5'-CCTCCAGCCACCAGGGGCTCCTGCGCTGCTGCCTCCGCCGCACCAGGGCCTGGGGCAGCC[CCA>C]GTTGGGGCCCCCACTCCTGCATCCACCACCTGCCCAGTCCTGGCCCGCACAACTTCCCCC-3'